The following is an entry in ClinVar:

ClinVar aggregate classification (germline): Uncertain significance (1 of 4 stars; one submission).

gnomAD v4.1: 1 of 1,613,906 alleles (0.000062%); highest among the groups gnomAD compares: Non-Finnish European, 0.000085%; no homozygotes.

Submission:

GeneDx
Classification: Uncertain significance. Last evaluated: 2024-08-23. Review status: criteria provided, single submitter. Criteria: GeneDx Variant Classification Process June 2021. Collection method: clinical testing. Allele origin: germline. Affected: yes.
Comment: Not observed at significant frequency in large population cohorts (gnomAD); In silico analysis supports that this missense variant has a deleterious effect on protein structure/function; Has not been previously published as pathogenic or benign to our knowledge

NM_206933.4(USH2A):c.9346C>T (p.Pro3116Ser)

Gene: USH2A (usherin; minus strand). Cytogenetic location: 1q41.
Variant type: single nucleotide variant.
Coding change: c.9346C>T on transcript NM_206933.4 (MANE Select); coding-DNA position 9346, C replaced by T.
Protein change: p.Pro3116Ser; replaces proline 3116 with serine.
Molecular consequence: missense variant.
Genome position (GRCh38, 1-based): chr1:215,838,016, G>A on the plus strand (C>T on the coding strand, the complement: USH2A is on the minus strand). VCF-style: chr1-215838016-G-A. GRCh37 (hg19) VCF-style: chr1-216011358-G-A.
Other names: short protein forms P3116S.
Identifiers: ClinVar variation 3764418 (VCV003764418.1).